The following is an entry in ClinVar:

NM_001365536.1(SCN9A):c.4684T>C (p.Cys1562Arg)

Genes: SCN1A-AS1 (SCN1A and SCN9A antisense RNA 1; plus strand), SCN9A (sodium voltage-gated channel alpha subunit 9; minus strand). Cytogenetic location: 2q24.3.
Variant type: single nucleotide variant.
Coding change: c.4684T>C on transcript NM_001365536.1 (MANE Select); coding-DNA position 4684, T replaced by C.
Protein change: p.Cys1562Arg; replaces cysteine 1562 with arginine.
Molecular consequence: missense variant.
Genome position (GRCh38, 1-based): chr2:166,204,045, A>G on the plus strand (T>C on the coding strand, the complement: SCN9A is on the minus strand). VCF-style: chr2-166204045-A-G. GRCh37 (hg19) VCF-style: chr2-167060555-A-G.
Other names: c.4651T>C, p.Cys1551Arg (NM_002977.4); short protein forms C1562R, C1551R.
Identifiers: ClinVar variation 2090122 (VCV002090122.4), dbSNP rs2468895260, ClinGen allele CA349057437.

ClinVar aggregate classification (germline): Uncertain significance (1 of 4 stars; one submission).

Conditions:
Neuropathy, hereditary sensory and autonomic, type 2A (HSAN2A). Also called: WNK1-Related HSAN2 (HSAN2A); MORVAN DISEASE; NEUROPATHY, CONGENITAL SENSORY; NEUROPATHY, HEREDITARY SENSORY RADICULAR, AUTOSOMAL RECESSIVE; NEUROPATHY, HEREDITARY SENSORY, TYPE IIA; NEUROPATHY, PROGRESSIVE SENSORY, OF CHILDREN. Identifiers: Orphanet 970, MedGen C2752089, MONDO:0024309, OMIM 201300.
Generalized epilepsy with febrile seizures plus, type 7 (GEFSP7). Also called: GEFS+, TYPE 7. Identifiers: Orphanet 36387, MedGen C2751778, MONDO:0013470, OMIM 613863.

Submission:

Labcorp Genetics (formerly Invitae), Labcorp
Classification: Uncertain significance for Neuropathy, hereditary sensory and autonomic, type 2A; Generalized epilepsy with febrile seizures plus, type 7. Last evaluated: 2022-01-26. Review status: criteria provided, single submitter. Criteria: Invitae Variant Classification Sherloc (09022015). Collection method: clinical testing. Allele origin: germline.
Comment: In summary, the available evidence is currently insufficient to determine the role of this variant in disease. Therefore, it has been classified as a Variant of Uncertain Significance. Algorithms developed to predict the effect of missense changes on protein structure and function (SIFT, PolyPhen-2, Align-GVGD) all suggest that this variant is likely to be disruptive. This variant has not been reported in the literature in individuals affected with SCN9A-related conditions. This variant is not present in population databases (gnomAD no frequency). This sequence change replaces cysteine, which is neutral and slightly polar, with arginine, which is basic and polar, at codon 1551 of the SCN9A protein (p.Cys1551Arg).